The following is an entry in ClinVar:

ClinVar aggregate classification (germline): Conflicting classifications of pathogenicity. Review status: criteria provided, conflicting classifications (1 of 4 stars). 2 submissions from 2 submitters: Uncertain significance (1); Likely benign (1). Last evaluated 2024-07-27.

Conditions:
Idiopathic Pulmonary Fibrosis. Also called: Idiopathic fibrosing alveolitis, chronic form; idiopathic fibrosing alveolitis. Identifiers: Orphanet 2032, MedGen C1800706, MeSH D054990, MONDO:0800504.
Dyskeratosis congenita, autosomal dominant 2. Identifiers: MedGen C3151443, MONDO:0013521, OMIM 613989.
Dyskeratosis congenita. Identifiers: Orphanet 1775, MedGen C0265965, MONDO:0015780.

Submissions (2):

Ambry Genetics
Classification: Likely benign for Dyskeratosis congenita. Last evaluated: 2024-07-27. Review status: criteria provided, single submitter. Criteria: Ambry Variant Classification Scheme 2023. Collection method: clinical testing. Allele origin: germline.

Labcorp Genetics (formerly Invitae), Labcorp
Classification: Uncertain significance for Dyskeratosis congenita, autosomal dominant 2; Idiopathic Pulmonary Fibrosis. Last evaluated: 2024-04-25. Review status: criteria provided, single submitter. Criteria: Invitae Variant Classification Sherloc (09022015). Collection method: clinical testing. Allele origin: germline.
Comment: This sequence change replaces phenylalanine, which is neutral and non-polar, with leucine, which is neutral and non-polar, at codon 975 of the TERT protein (p.Phe975Leu). This variant is not present in population databases (gnomAD no frequency). This variant has not been reported in the literature in individuals affected with TERT-related conditions. ClinVar contains an entry for this variant (Variation ID: 1505603). Advanced modeling of protein sequence and biophysical properties (such as structural, functional, and spatial information, amino acid conservation, physicochemical variation, residue mobility, and thermodynamic stability) performed at Invitae indicates that this missense variant is not expected to disrupt TERT protein function with a negative predictive value of 95%. In summary, the available evidence is currently insufficient to determine the role of this variant in disease. Therefore, it has been classified as a Variant of Uncertain Significance.

NM_198253.3(TERT):c.2923T>C (p.Phe975Leu)

Gene: TERT (telomerase reverse transcriptase; minus strand). Cytogenetic location: 5p15.33.
Variant type: single nucleotide variant.
Coding change: c.2923T>C on transcript NM_198253.3 (MANE Select); coding-DNA position 2923, T replaced by C.
Protein change: p.Phe975Leu; replaces phenylalanine 975 with leucine.
Molecular consequence: missense variant. On other transcripts: non-coding transcript variant (2).
Genome position (GRCh38, 1-based): chr5:1,260,521, A>G on the plus strand (T>C on the coding strand, the complement: TERT is on the minus strand). VCF-style: chr5-1260521-A-G. GRCh37 (hg19) VCF-style: chr5-1260636-A-G.
Other names: c.2734T>C, p.Phe912Leu (NM_001193376.3); c.2923T>C (NM_198253.2); short protein forms F912L, F975L.
Identifiers: ClinVar variation 1505603 (VCV001505603.45), dbSNP rs2126584472, ClinGen allele CA359069902.